The following is an entry in ClinVar:

ClinVar aggregate classification (germline): Uncertain significance. Review status: criteria provided, multiple submitters, no conflicts (2 of 4 stars). 2 submissions from 2 submitters: Uncertain significance (2). Last evaluated 2025-05-25.

Conditions:
Inborn genetic diseases. Identifiers: MedGen C0950123, MeSH D030342.

gnomAD v4.1: 2 of 1,612,632 alleles (0.00012%); highest among the groups gnomAD compares: East Asian, 0.0045%; no homozygotes.

Submissions (2):

Ambry Genetics
Classification: Uncertain significance for Inborn genetic diseases. Last evaluated: 2025-05-25. Review status: criteria provided, single submitter. Criteria: Ambry Variant Classification Scheme 2023. Collection method: clinical testing. Allele origin: germline.

Labcorp Genetics (formerly Invitae), Labcorp
Classification: Uncertain significance. Last evaluated: 2024-09-03. Review status: criteria provided, single submitter. Criteria: Invitae Variant Classification Sherloc (09022015). Collection method: clinical testing. Allele origin: germline.
Comment: This sequence change replaces glycine, which is neutral and non-polar, with aspartic acid, which is acidic and polar, at codon 2319 of the MYO18B protein (p.Gly2319Asp). This variant is present in population databases (no rsID available, gnomAD 0.06%). This variant has not been reported in the literature in individuals affected with MYO18B-related conditions. An algorithm developed to predict the effect of missense changes on protein structure and function (PolyPhen-2) suggests that this variant is likely to be disruptive. In summary, the available evidence is currently insufficient to determine the role of this variant in disease. Therefore, it has been classified as a Variant of Uncertain Significance.

NM_032608.7(MYO18B):c.6956G>A (p.Gly2319Asp)

Gene: MYO18B (myosin XVIIIB; plus strand). Cytogenetic location: 22q12.1.
Variant type: single nucleotide variant.
Coding change: c.6956G>A on transcript NM_032608.7 (MANE Select); coding-DNA position 6956, G replaced by A.
Protein change: p.Gly2319Asp; replaces glycine 2319 with aspartic acid.
Molecular consequence: missense variant.
Genome position (GRCh38, 1-based): chr22:26,026,930, G>A. VCF-style: chr22-26026930-G-A. GRCh37 (hg19) VCF-style: chr22-26422896-G-A.
Other names: c.6959G>A, p.Gly2320Asp (NM_001318245.2); c.6956G>A (NM_032608.5); short protein forms G2319D, G2320D.
Identifiers: ClinVar variation 3695439 (VCV003695439.3).